The following is an entry in ClinVar:

NM_032043.3(BRIP1):c.3386_3387del (p.Ser1129fs)

Gene: BRIP1 (BRCA1 interacting DNA helicase 1; minus strand). Cytogenetic location: 17q23.2.
Variant type: Deletion.
Coding change: c.3386_3387del on transcript NM_032043.3 (MANE Select); coding-DNA positions 3386 to 3387, 2 bases deleted (CT; older notation c.3386_3387delCT).
Protein change: p.Ser1129fs; shifts the reading frame from serine 1129.
Molecular consequence: frameshift variant.
Genome position (GRCh38, 1-based): chr17:61,683,659-61,683,660, AG deleted on the plus strand (CT on the coding strand, the reverse complement: BRIP1 is on the minus strand); deleting any 2 consecutive bases within chr17:61,683,659-61,683,661 gives the same sequence; the c. name uses the placement nearest the transcript's 3' end. VCF-style (leftmost placement, unchanged base first): chr17-61683658-TAG-T. GRCh37 (hg19) VCF-style: chr17-59761019-TAG-T.
Other names: short protein forms S1129fs.
Identifiers: ClinVar variation 1067947 (VCV001067947.10), dbSNP rs2144077998, ClinGen allele CA2499224775.
Genomic context (GRCh38, chr17:61,683,658, plus strand): 5'-CTAGGTCATTTTTTTCTTCATCTGTATCTTCAGGATCATAAAGTTCAGGTGTAAAATAGA[TAG>T]ATTCATCTTCTGCTTCTGTTTCAAAATCTCTATTTGAAGTGGACTGTTTATCTTCTTCAC-3'

ClinVar aggregate classification (germline): Uncertain significance (1 of 4 stars; one submission).

Conditions:
Familial cancer of breast. Also called: Hereditary breast cancer; BREAST CANCER, FAMILIAL; hereditary breast carcinoma. Identifiers: Orphanet 227535, MedGen C0346153, MONDO:0016419, OMIM 114480. Disease mechanism: loss of function.
Fanconi anemia complementation group J. Also called: BRIP1-Related Fanconi Anemia. Identifiers: Orphanet 84, MedGen C1836860, MONDO:0012187, OMIM 609054.

Submission:

Labcorp Genetics (formerly Invitae), Labcorp
Classification: Uncertain significance for Familial cancer of breast; Fanconi anemia complementation group J. Last evaluated: 2025-07-15. Review status: criteria provided, single submitter. Criteria: Invitae Variant Classification Sherloc (09022015). Collection method: clinical testing. Allele origin: germline.
Comment: This sequence change creates a premature translational stop signal (p.Ser1129Tyrfs*6) in the BRIP1 gene. While this is not anticipated to result in nonsense mediated decay, it is expected to disrupt the last 121 amino acid(s) of the BRIP1 protein. This variant is not present in population databases (gnomAD no frequency). This variant has not been reported in the literature in individuals affected with BRIP1-related conditions. ClinVar contains an entry for this variant (Variation ID: 1067947). In summary, the available evidence is currently insufficient to determine the role of this variant in disease. Therefore, it has been classified as a Variant of Uncertain Significance.